The following is an entry in ClinVar:

ClinVar aggregate classification (germline): Uncertain significance. Review status: criteria provided, multiple submitters, no conflicts (2 of 4 stars). 2 submissions from 2 submitters: Uncertain significance (2). Last evaluated 2022-08-09.

Allele frequency attached by ClinVar (database versions not stated): gnomAD exomes below 0.00001; ExAC 0.00002.
gnomAD v4.1: 7 of 1,614,082 alleles (0.00043%); highest among the groups gnomAD compares: Non-Finnish European, 0.00051%; no homozygotes.

Submissions (2):

Labcorp Genetics (formerly Invitae), Labcorp
Classification: Uncertain significance. Last evaluated: 2022-08-09. Review status: criteria provided, single submitter. Criteria: Invitae Variant Classification Sherloc (09022015). Collection method: clinical testing. Allele origin: germline.
Comment: In summary, the available evidence is currently insufficient to determine the role of this variant in disease. Therefore, it has been classified as a Variant of Uncertain Significance. Algorithms developed to predict the effect of missense changes on protein structure and function (SIFT, PolyPhen-2, Align-GVGD) all suggest that this variant is likely to be disruptive. This variant has not been reported in the literature in individuals affected with VCAN-related conditions. This variant is present in population databases (rs773096484, gnomAD 0.0009%). This sequence change replaces arginine, which is basic and polar, with cysteine, which is neutral and slightly polar, at codon 3198 of the VCAN protein (p.Arg3198Cys).

Blueprint Genetics
Classification: Uncertain significance. Last evaluated: 2021-06-03. Review status: criteria provided, single submitter. Criteria: ACMG Guidelines, 2015. Collection method: clinical testing. Allele origin: germline.

NM_004385.5(VCAN):c.9592C>T (p.Arg3198Cys)

Genes: VCAN (versican; plus strand), VCAN-AS1 (VCAN antisense RNA 1; minus strand). Cytogenetic location: 5q14.3.
Variant type: single nucleotide variant.
Coding change: c.9592C>T on transcript NM_004385.5 (MANE Select); coding-DNA position 9592, C replaced by T.
Protein change: p.Arg3198Cys; replaces arginine 3198 with cysteine.
Molecular consequence: missense variant.
Genome position (GRCh38, 1-based): chr5:83,553,462, C>T. VCF-style: chr5-83553462-C-T. GRCh37 (hg19) VCF-style: chr5-82849281-C-T.
Other names: c.1369C>T, p.Arg457Cys (NM_001126336.3); c.6631C>T, p.Arg2211Cys (NM_001164097.2); c.4330C>T, p.Arg1444Cys (NM_001164098.2); short protein forms R2211C, R1444C, R3198C, R457C.
Identifiers: ClinVar variation 2088973 (VCV002088973.5), dbSNP rs773096484, ClinGen allele CA3334045.